The following is an entry in ClinVar:

NM_000548.5(TSC2):c.849-1G>C

Gene: TSC2 (TSC complex subunit 2; plus strand). Cytogenetic location: 16p13.3.
Variant type: single nucleotide variant.
Coding change: c.849-1G>C on transcript NM_000548.5 (MANE Select); the canonical splice acceptor site of the intron before coding-DNA position 849, G replaced by C.
Molecular consequence: splice acceptor variant.
Genome position (GRCh38, 1-based): chr16:2,058,746, G>C. VCF-style: chr16-2058746-G-C. GRCh37 (hg19) VCF-style: chr16-2108747-G-C.
Other names: c.-583-1G>C (NM_001406693.1, NM_001406689.1, NM_001406690.1 and 4 more transcripts); c.939-1G>C (NM_001406667.1, NM_001406668.1); c.249-1G>C (NM_001406680.1, NM_001406683.1, NM_001406687.1 and 6 more transcripts); c.-759-1G>C (NM_001406698.1); c.849-1G>C (NM_001114382.3, NM_001406663.1, NM_001406664.1 and 6 more transcripts); c.-464-1G>C (NM_001406694.1, NM_001406695.1); c.837-1G>C (NM_001406671.1, NM_001406673.1); c.387-1G>C (NM_001406681.1); and 4 more.
Identifiers: ClinVar variation 65091 (VCV000065091.7), dbSNP rs45506396, ClinGen allele CA023041.

ClinVar aggregate classification (germline): Pathogenic/Likely pathogenic. Review status: criteria provided, multiple submitters, no conflicts (2 of 4 stars). 3 submissions from 3 submitters: Pathogenic (1); Likely pathogenic (1). 1 of the submissions does not count toward it. Last evaluated 2024-12-16.

Conditions:
Tuberous sclerosis syndrome (TSC). Also called: Tuberous Sclerosis Complex; Tuberous sclerosis. Identifiers: Orphanet 805, MedGen C0041341, MONDO:0001734.
Tuberous sclerosis 2 (TSC2). Identifiers: Orphanet 805, MedGen C1860707, MONDO:0013199, OMIM 613254.

Submissions (3):

Labcorp Genetics (formerly Invitae), Labcorp
Classification: Pathogenic for Tuberous sclerosis 2. Last evaluated: 2024-12-16. Review status: criteria provided, single submitter. Criteria: Invitae Variant Classification Sherloc (09022015). Collection method: clinical testing. Allele origin: germline.
Comment: This sequence change affects an acceptor splice site in intron 9 of the TSC2 gene. It is expected to disrupt RNA splicing. Variants that disrupt the donor or acceptor splice site typically lead to a loss of protein function (PMID: 16199547), and loss-of-function variants in TSC2 are known to be pathogenic (PMID: 10205261, 17304050). This variant is not present in population databases (gnomAD no frequency). Disruption of this splice site has been observed in individuals with tuberous sclerosis complex (PMID: 10735580; internal data). ClinVar contains an entry for this variant (Variation ID: 65091). Algorithms developed to predict the effect of sequence changes on RNA splicing suggest that this variant may disrupt the consensus splice site. For these reasons, this variant has been classified as Pathogenic.

Center for Human Genetics, Inc
Classification: Likely pathogenic for Tuberous sclerosis 2. Last evaluated: 2016-11-01. Review status: criteria provided, single submitter. Criteria: ACMG Guidelines, 2015. Collection method: clinical testing. Allele origin: germline. Affected: yes.

Tuberous sclerosis database (TSC2)
No classification provided. Condition: TSC. Review status: no classification provided. Criteria: Tuberous Sclerosis Database Assertion Criteria 2015. Collection method: curation. Allele origin: germline. Affected: yes. Not counted in ClinVar's aggregate classification.

Literature cited by the submitters: PubMed 16199547 (cited by Labcorp Genetics (formerly Invitae), Labcorp); PubMed 10205261 (cited by Labcorp Genetics (formerly Invitae), Labcorp); PubMed 17304050 (cited by Labcorp Genetics (formerly Invitae), Labcorp); PubMed 10735580 (cited by Labcorp Genetics (formerly Invitae), Labcorp).